The following is an entry in ClinVar:

ClinVar aggregate classification (germline): Uncertain significance (1 of 4 stars; one submission).

Conditions:
Fanconi anemia (FA). Also called: Fanconi's anemia. Identifiers: Orphanet 84, MedGen C0015625, MeSH D005199, MONDO:0019391.

Submission:

Labcorp Genetics (formerly Invitae), Labcorp
Classification: Uncertain significance for Fanconi anemia. Last evaluated: 2022-11-10. Review status: criteria provided, single submitter. Criteria: Invitae Variant Classification Sherloc (09022015). Collection method: clinical testing. Allele origin: germline.
Comment: This variant is not present in population databases (gnomAD no frequency). This sequence change replaces cysteine, which is neutral and slightly polar, with tyrosine, which is neutral and polar, at codon 1109 of the SLX4 protein (p.Cys1109Tyr). This variant has not been reported in the literature in individuals affected with SLX4-related conditions. In summary, the available evidence is currently insufficient to determine the role of this variant in disease. Therefore, it has been classified as a Variant of Uncertain Significance. Algorithms developed to predict the effect of missense changes on protein structure and function (SIFT, PolyPhen-2, Align-GVGD) all suggest that this variant is likely to be tolerated.

NM_032444.4(SLX4):c.3326G>A (p.Cys1109Tyr)

Gene: SLX4 (SLX4 structure-specific endonuclease subunit; minus strand). Cytogenetic location: 16p13.3.
Variant type: single nucleotide variant.
Coding change: c.3326G>A on transcript NM_032444.4 (MANE Select); coding-DNA position 3326, G replaced by A.
Protein change: p.Cys1109Tyr; replaces cysteine 1109 with tyrosine.
Molecular consequence: missense variant.
Genome position (GRCh38, 1-based): chr16:3,590,312, C>T on the plus strand (G>A on the coding strand, the complement: SLX4 is on the minus strand). VCF-style: chr16-3590312-C-T. GRCh37 (hg19) VCF-style: chr16-3640313-C-T.
Other names: short protein forms C1109Y.
Identifiers: ClinVar variation 2982985 (VCV002982985.3), dbSNP rs2548212959, ClinGen allele CA394520377.